The following is an entry in ClinVar:

NM_005732.4(RAD50):c.2720A>G (p.Asp907Gly)

Gene: RAD50 (RAD50 double strand break repair protein; plus strand). Cytogenetic location: 5q31.1.
Variant type: single nucleotide variant.
Coding change: c.2720A>G on transcript NM_005732.4 (MANE Select); coding-DNA position 2720, A replaced by G.
Protein change: p.Asp907Gly; replaces aspartic acid 907 with glycine.
Molecular consequence: missense variant.
Genome position (GRCh38, 1-based): chr5:132,608,616, A>G. VCF-style: chr5-132608616-A-G. GRCh37 (hg19) VCF-style: chr5-131944308-A-G.
Other names: short protein forms D907G.
Identifiers: ClinVar variation 1014799 (VCV001014799.9), dbSNP rs1011481775, ClinGen allele CA127260456.

ClinVar aggregate classification (germline): Uncertain significance (1 of 4 stars; one submission).

Conditions:
Hereditary cancer-predisposing syndrome. Also called: Hereditary Cancer Syndrome; Tumor predisposition; Neoplastic Syndromes, Hereditary; Hereditary neoplastic syndrome. Identifiers: Orphanet 140162, MedGen C0027672, MeSH D009386, MONDO:0015356.

Allele frequency attached by ClinVar (database versions not stated): TOPMed 0.00001.
gnomAD v4.1: 1 of 1,573,330 alleles (0.000064%); highest among the groups gnomAD compares: South Asian, 0.0012%; no homozygotes.

Submission:

Labcorp Genetics (formerly Invitae), Labcorp
Classification: Uncertain significance for Hereditary cancer-predisposing syndrome. Last evaluated: 2020-02-17. Review status: criteria provided, single submitter. Criteria: Invitae Variant Classification Sherloc (09022015). Collection method: clinical testing. Allele origin: germline.
Comment: This sequence change replaces aspartic acid with glycine at codon 907 of the RAD50 protein (p.Asp907Gly). The aspartic acid residue is moderately conserved and there is a moderate physicochemical difference between aspartic acid and glycine. This variant is not present in population databases (ExAC no frequency). This variant has not been reported in the literature in individuals with RAD50-related conditions. Algorithms developed to predict the effect of missense changes on protein structure and function are either unavailable or do not agree on the potential impact of this missense change (SIFT: "Deleterious"; PolyPhen-2: "Benign"; Align-GVGD: "Class C0"). In summary, the available evidence is currently insufficient to determine the role of this variant in disease. Therefore, it has been classified as a Variant of Uncertain Significance.